The following is an entry in ClinVar:

NM_000168.6(GLI3):c.4019C>G (p.Pro1340Arg)

Gene: GLI3 (GLI family zinc finger 3; minus strand). Cytogenetic location: 7p14.1.
Variant type: single nucleotide variant.
Coding change: c.4019C>G on transcript NM_000168.6 (MANE Select); coding-DNA position 4019, C replaced by G.
Protein change: p.Pro1340Arg; replaces proline 1340 with arginine.
Molecular consequence: missense variant.
Genome position (GRCh38, 1-based): chr7:41,965,054, G>C on the plus strand (C>G on the coding strand, the complement: GLI3 is on the minus strand). VCF-style: chr7-41965054-G-C. GRCh37 (hg19) VCF-style: chr7-42004652-G-C.
Other names: short protein forms P1340R.
Identifiers: ClinVar variation 2430680 (VCV002430680.3), dbSNP rs1173615111, ClinGen allele CA367315943.

ClinVar aggregate classification (germline): Uncertain significance. Review status: criteria provided, multiple submitters, no conflicts (2 of 4 stars). 2 submissions from 2 submitters: Uncertain significance (2). Last evaluated 2026-06-01.

Allele frequency attached by ClinVar (database versions not stated): gnomAD exomes below 0.00001; gnomAD 0.00001.
gnomAD v4.1: 2 of 1,613,778 alleles (0.00012%); highest among the groups gnomAD compares: Admixed American, 0.0017%; no homozygotes.

Submissions (2):

CeGaT Center for Human Genetics Tuebingen
Classification: Uncertain significance. Last evaluated: 2026-06-01. Review status: criteria provided, single submitter. Criteria: CeGaT Center For Human Genetics Tuebingen Variant Classification Criteria Version 2. Collection method: clinical testing. Allele origin: germline. Affected: yes. Observed: 1 variant allele.
Comment: GLI3: PM2, BP4

GeneDx
Classification: Uncertain significance. Last evaluated: 2022-08-19. Review status: criteria provided, single submitter. Criteria: GeneDx Variant Classification Process June 2021. Collection method: clinical testing. Allele origin: germline. Affected: yes.
Comment: Not observed at significant frequency in large population cohorts (gnomAD); In silico analysis supports that this missense variant has a deleterious effect on protein structure/function; Has not been previously published as pathogenic or benign to our knowledge